The following is an entry in ClinVar:

NM_000059.4(BRCA2):c.3299A>T (p.Asn1100Ile)

Gene: BRCA2 (BRCA2 DNA repair associated; plus strand). Cytogenetic location: 13q13.1.
Variant type: single nucleotide variant.
Coding change: c.3299A>T on transcript NM_000059.4 (MANE Select); coding-DNA position 3299, A replaced by T.
Protein change: p.Asn1100Ile; replaces asparagine 1100 with isoleucine.
Molecular consequence: missense variant.
Genome position (GRCh38, 1-based): chr13:32,337,654, A>T. VCF-style: chr13-32337654-A-T. GRCh37 (hg19) VCF-style: chr13-32911791-A-T.
Other names: p.N1100I:AAC>ATC; 3527A>T; short protein forms N1100I.
Identifiers: ClinVar variation 37832 (VCV000037832.47), dbSNP rs80358575, ClinGen allele CA017736.

ClinVar aggregate classification (germline): Conflicting classifications of pathogenicity. Review status: criteria provided, conflicting classifications (1 of 4 stars). 15 submissions from 15 submitters: Uncertain significance (9); Likely benign (3). 3 of the submissions do not count toward it. Last evaluated 2025-12-01.

Conditions:
BRCA2-related cancer predisposition. Identifiers: MedGen CN377758, MONDO:0700269.
Inherited breast cancer and ovarian cancer.
Hereditary cancer-predisposing syndrome. Also called: Tumor predisposition; Neoplastic Syndromes, Hereditary; Hereditary neoplastic syndrome; Hereditary Cancer Syndrome. Identifiers: Orphanet 140162, MedGen C0027672, MeSH D009386, MONDO:0015356.
Hereditary breast ovarian cancer syndrome. Also called: Hereditary breast and ovarian cancer; Hereditary breast and ovarian cancer syndrome (HBOC); Hereditary breast and/or ovarian cancer syndrome; Breast and ovarian cancer; Hereditary breast and ovarian cancer syndrome; BRCA1- and BRCA2-Associated Hereditary Breast and Ovarian Cancer. Identifiers: Orphanet 145, MedGen C0677776, MeSH D061325, MONDO:0003582. Disease mechanism: loss of function.
Breast-ovarian cancer, familial, susceptibility to, 2 (BROVCA2). Also called: BRCA2 Hereditary Breast and Ovarian Cancer. Identifiers: Orphanet 145, MedGen C2675520, MONDO:0012933, OMIM 612555. Disease mechanism: loss of function.

Allele frequency attached by ClinVar (database versions not stated): gnomAD exomes 0.00001; ExAC 0.00002; gnomAD 0.00002 and 0.00003; ESP Exome Variant Server 0.00008; 1000 Genomes Project 30x 0.00016; 1000 Genomes Project 0.00020; TOPMed 0.00003.
gnomAD v4.1: 19 of 1,588,766 alleles (0.0012%); highest among the groups gnomAD compares: Admixed American, 0.013%; no homozygotes.

Submissions (15):

Labcorp Genetics (formerly Invitae), Labcorp
Classification: Likely benign for Hereditary breast ovarian cancer syndrome. Last evaluated: 2025-12-01. Review status: criteria provided, single submitter. Criteria: Invitae Variant Classification Sherloc (09022015). Collection method: clinical testing. Allele origin: germline.

Ambry Genetics
Classification: Uncertain significance for Hereditary cancer-predisposing syndrome. Last evaluated: 2025-10-07. Review status: criteria provided, single submitter. Criteria: Ambry Variant Classification Scheme 2023. Collection method: clinical testing. Allele origin: germline.
Comment: The p.N1100I variant (also known as c.3299A>T), located in coding exon 10 of the BRCA2 gene, results from an A to T substitution at nucleotide position 3299. The asparagine at codon 1100 is replaced by isoleucine, an amino acid with dissimilar properties. This amino acid position is not well conserved in available vertebrate species. In addition, this alteration is predicted to be tolerated by in silico analysis. Based on the available evidence, the clinical significance of this variant remains unclear.

Quest Diagnostics Nichols Institute San Juan Capistrano
Classification: Uncertain significance. Last evaluated: 2025-06-14. Review status: criteria provided, single submitter. Criteria: Quest Diagnostics criteria. Collection method: clinical testing. Allele origin: unknown.
Comment: The BRCA2 c.3299A>T (p.Asn1100Ile) variant has been reported in the published literature in individuals undergoing multigene panel testing for breast/ovarian cancer or Lynch syndrome (PMID: 32522261 (2020)) and hereditary cancer (PMID: 31853058 (2020)). This variant has also been observed in individuals with breast cancer and in reportedly unaffected individuals in a large scale breast cancer association study (PMID: 33471991 (2021), see also LOVD. Assessment of experimental evidence regarding the effect of this variant on protein function suggests it has no effect relevant to disease (PMID: 37922907 (2023)). The frequency of this variant in the general population (Genome Aggregation Database) is uninformative in the assessment of its pathogenicity. Analysis of this variant using bioinformatics tools for the prediction of the effect of amino acid changes on protein structure and function yielded conflicting predictions that this variant is benign or damaging. Based on the available information, we are unable to determine the clinical significance of this variant.

Women's Health and Genetics/Laboratory Corporation of America, LabCorp
Classification: Uncertain significance. Last evaluated: 2024-09-23. Review status: criteria provided, single submitter. Criteria: LabCorp Variant Classification Summary - May 2015. Collection method: clinical testing. Allele origin: germline.
Comment: Variant summary: BRCA2 c.3299A>T (p.Asn1100Ile) results in a non-conservative amino acid change in the encoded protein sequence. Three of five in-silico tools predict a damaging effect of the variant on protein function. The variant allele was found at a frequency of 1.3e-05 in 229706 control chromosomes. The available data on variant occurrences in the general population are insufficient to allow any conclusion about variant significance. c.3299A>T has been reported in the literature in individuals affected with cancer (Velazquez_2020, Dorling_2021). These report(s) do not provide unequivocal conclusions about association of the variant with Hereditary Breast And Ovarian Cancer Syndrome. Co-occurrences with other pathogenic variant(s) have been reported (BRCA1 c.211A>G, p.Arg71Gly, BIC database), providing supporting evidence for a benign role. At least one publication reports experimental evidence evaluating an impact on protein function. These results showed no damaging effect of this variant using a multiplexed NGS-based functional assay in mouse embryonic stem cells (Biswas_2023). The following publications have been ascertained in the context of this evaluation (PMID: 37922907, 33471991, 32522261). ClinVar contains an entry for this variant (Variation ID: 37832). Based on the evidence outlined above, the variant was classified as uncertain significance.

All of Us Research Program, National Institutes of Health
Classification: Uncertain significance for BRCA2-related cancer predisposition. Last evaluated: 2024-08-06. Review status: criteria provided, single submitter. Criteria: ACMG Guidelines, 2015. Collection method: clinical testing. Allele origin: germline. Inheritance: Autosomal dominant inheritance. Observed: 7 variant alleles, 7 heterozygotes.
Comment: This missense variant replaces asparagine with isoleucine at codon 1100 of the BRCA2 protein. Computational prediction suggests that this variant may not impact protein structure and function (internally defined REVEL score threshold <= 0.5, PMID: 27666373). To our knowledge, functional studies have not been reported for this variant. This variant has been reported in a breast cancer case-control meta-analysis in 2/60464 cases and 4/53457 unaffected individuals (PMID: 33471991; Leiden Open Variation Database DB-ID BRCA2_005769), and it has been reported with co-occurrence and family history likelihood ratios for pathogenicity of 1.1293 and 1.5125, respectively (PMID: 31131967). This variant has been reported in 1 individual age 70 years or older without cancer in the FLOSSIES database. This variant has been identified in 3/229706 chromosomes in the general population by the Genome Aggregation Database (gnomAD). The available evidence is insufficient to determine the role of this variant in disease conclusively. Therefore, this variant is classified as a Variant of Uncertain Significance.

This study involves interpretation of variants in research participants for the purpose of population health screening. Participant phenotype was not available at the time of variant classification. Additional details can be found in publication PMID: 35346344, PMCID: PMC8962531

Color Diagnostics, LLC DBA Color Health
Classification: Uncertain significance for Hereditary cancer-predisposing syndrome. Last evaluated: 2024-05-23. Review status: criteria provided, single submitter. Criteria: ACMG Guidelines, 2015. Collection method: clinical testing. Allele origin: germline.
Comment: This missense variant replaces asparagine with isoleucine at codon 1100 of the BRCA2 protein. Computational prediction suggests that this variant may not impact protein structure and function. This variant does not impact cell viability or drug sensitivity in Brca2-deficient mouse embryonic stem cells (PMID: 37922907). This variant has been reported in a breast cancer case-control meta-analysis in 2/60464 cases and 4/53457 unaffected individuals (PMID: 33471991; Leiden Open Variation Database DB-ID BRCA2_005769), and it has been reported with co-occurrence and family history likelihood ratios for pathogenicity of 1.1293 and 1.5125, respectively (PMID: 31131967). This variant has been reported in 1 individual age 70 years or older without cancer in the FLOSSIES database. This variant has been identified in 3/229706 chromosomes in the general population by the Genome Aggregation Database (gnomAD). The available evidence is insufficient to determine the role of this variant in disease conclusively. Therefore, this variant is classified as a Variant of Uncertain Significance.

Genomics and Molecular Medicine Service, East Genomic Laboratory Hub, NHS Genomic Medicine Service
Classification: Likely benign for Inherited breast cancer and ovarian cancer. Last evaluated: 2024-05-10. Review status: criteria provided, single submitter. Criteria: ACGS Best Practice Guidelines for Variant Classification in Rare Disease 2020. Collection method: clinical testing. Allele origin: germline. Affected: yes.
Comment: PM2_Supporting,BP1,BP4

University of Washington Department of Laboratory Medicine, University of Washington
Classification: Likely benign for Hereditary cancer-predisposing syndrome. Last evaluated: 2023-03-23. Review status: criteria provided, single submitter. Criteria: Dines et al. (Genet Med. 2020). Collection method: curation. Allele origin: germline.
Comment: Missense variant in a coldspot region where missense variants are very unlikely to be pathogenic (PMID:31911673).

BRCA2 exon 11 coldspot. Reclassification based on statistical prior probability.

GeneDx
Classification: Uncertain significance. Last evaluated: 2022-12-21. Review status: criteria provided, single submitter. Criteria: GeneDx Variant Classification Process June 2021. Collection method: clinical testing. Allele origin: germline. Affected: yes.
Comment: Identified in an individual with breast and/or ovarian cancer or HNPCC (Velazquez et al., 2020); In silico analysis supports that this missense variant has a deleterious effect on protein structure/function; Not observed at significant frequency in large population cohorts (gnomAD); Also known as 3527A>T; This variant is associated with the following publications: (PMID: 31131967, 29884841, 32522261, 32377563, 31853058)

Genetic Services Laboratory, University of Chicago
Classification: Uncertain significance. Last evaluated: 2019-07-23. Review status: criteria provided, single submitter. Criteria: ACMG Guidelines, 2015. Collection method: clinical testing. Allele origin: germline. Affected: no.

Revvity Omics, Revvity
Classification: Uncertain significance. Last evaluated: 2019-07-22. Review status: criteria provided, single submitter. Criteria: ACMG Guidelines, 2015. Collection method: clinical testing. Allele origin: germline.

Mendelics
Classification: Uncertain significance for Breast-ovarian cancer, familial, susceptibility to, 2. Last evaluated: 2019-05-28. Review status: criteria provided, single submitter. Criteria: Mendelics Assertion Criteria 2017. Collection method: clinical testing. Allele origin: unknown.

Counsyl
Classification: Uncertain significance for Breast-ovarian cancer, familial, susceptibility to, 2. Last evaluated: 2016-06-07. Review status: no assertion criteria provided. Collection method: clinical testing. Allele origin: unknown. Not counted in ClinVar's aggregate classification.

Sharing Clinical Reports Project (SCRP)
Classification: Likely benign for Breast-ovarian cancer, familial 2. Last evaluated: 2011-02-03. Review status: no assertion criteria provided. Collection method: clinical testing. Allele origin: germline. Not counted in ClinVar's aggregate classification.

Breast Cancer Information Core (BIC) (BRCA2)
Classification: Uncertain significance for Breast-ovarian cancer, familial 2. Last evaluated: 2003-12-23. Review status: no assertion criteria provided. Collection method: clinical testing. Allele origin: germline. Affected: yes. Observed: 1 variant allele. Not counted in ClinVar's aggregate classification.

Literature cited by the submitters: PubMed 32522261 (cited by 3 submitters); PubMed 33471991 (cited by 4 submitters); PubMed 31911673 (cited by Quest Diagnostics Nichols Institute San Juan Capistrano); PubMed 31131967 (cited by 3 submitters); PubMed 31853058 (cited by Quest Diagnostics Nichols Institute San Juan Capistrano); PubMed 37922907 (cited by 3 submitters).